The following is an entry in ClinVar:

NM_001943.5(DSG2):c.1000G>A (p.Val334Met)

Gene: DSG2 (desmoglein 2; plus strand). Cytogenetic location: 18q12.1.
Variant type: single nucleotide variant.
Coding change: c.1000G>A on transcript NM_001943.5 (MANE Select); coding-DNA position 1000, G replaced by A.
Protein change: p.Val334Met; replaces valine 334 with methionine.
Molecular consequence: missense variant.
Genome position (GRCh38, 1-based): chr18:31,524,874, G>A. VCF-style: chr18-31524874-G-A. GRCh37 (hg19) VCF-style: chr18-29104837-G-A.
Other names: c.1000G>A (LRG_397t1); short protein forms V334M.
Identifiers: ClinVar variation 518615 (VCV000518615.9), dbSNP rs761360851, ClinGen allele CA041003.

ClinVar aggregate classification (germline): Conflicting classifications of pathogenicity. Review status: criteria provided, conflicting classifications (1 of 4 stars). 2 submissions from 2 submitters: Uncertain significance (1); Likely benign (1). Last evaluated 2025-05-07.

Conditions:
Cardiovascular phenotype. Identifiers: MedGen CN230736.
Arrhythmogenic right ventricular dysplasia 10. Also called: Arrhythmogenic Right Ventricular Dysplasia/Cardiomyopathy10; Arrhythmogenic right ventricular dysplasia/cardiomyopathy, type 10; ARRHYTHMOGENIC RIGHT VENTRICULAR DYSPLASIA, FAMILIAL, 10. Identifiers: MedGen C1857777, MONDO:0012434, OMIM 610193.

Allele frequency attached by ClinVar (database versions not stated): gnomAD exomes below 0.00001; ExAC 0.00001; gnomAD 0.00001; TOPMed 0.00001.
gnomAD v4.1: 2 of 1,614,070 alleles (0.00012%); highest among the groups gnomAD compares: Non-Finnish European, 0.00017%; no homozygotes.

Submissions (2):

Ambry Genetics
Classification: Likely benign for Cardiovascular phenotype. Last evaluated: 2025-05-07. Review status: criteria provided, single submitter. Criteria: Ambry Variant Classification Scheme 2023. Collection method: clinical testing. Allele origin: germline.

Labcorp Genetics (formerly Invitae), Labcorp
Classification: Uncertain significance for Arrhythmogenic right ventricular dysplasia 10. Last evaluated: 2023-06-17. Review status: criteria provided, single submitter. Criteria: Invitae Variant Classification Sherloc (09022015). Collection method: clinical testing. Allele origin: germline.
Comment: This sequence change replaces valine, which is neutral and non-polar, with methionine, which is neutral and non-polar, at codon 334 of the DSG2 protein (p.Val334Met). This variant is present in population databases (rs761360851, gnomAD 0.0009%). This variant has not been reported in the literature in individuals affected with DSG2-related conditions. ClinVar contains an entry for this variant (Variation ID: 518615). Advanced modeling of protein sequence and biophysical properties (such as structural, functional, and spatial information, amino acid conservation, physicochemical variation, residue mobility, and thermodynamic stability) performed at Invitae indicates that this missense variant is not expected to disrupt DSG2 protein function. In summary, the available evidence is currently insufficient to determine the role of this variant in disease. Therefore, it has been classified as a Variant of Uncertain Significance.